The following is an entry in ClinVar:

NM_024407.5(NDUFS7):c.459C>T (p.Cys153=)

Gene: NDUFS7 (NADH:ubiquinone oxidoreductase core subunit S7; plus strand). Cytogenetic location: 19p13.3.
Variant type: single nucleotide variant.
Coding change: c.459C>T on transcript NM_024407.5 (MANE Select); coding-DNA position 459, C replaced by T.
Protein change: p.Cys153=; no amino-acid change (cysteine 153 retained).
Molecular consequence: synonymous variant.
Genome position (GRCh38, 1-based): chr19:1,393,245, C>T. VCF-style: chr19-1393245-C-T. GRCh37 (hg19) VCF-style: chr19-1393244-C-T.
Other names: c.459C>T, p.Cys153= (NM_001363602.2).
Identifiers: ClinVar variation 2721346 (VCV002721346.6), dbSNP rs138774812, ClinGen allele CA9043411.

ClinVar aggregate classification (germline): Likely benign. Review status: criteria provided, multiple submitters, no conflicts (2 of 4 stars). 3 submissions from 3 submitters: Likely benign (3). Last evaluated 2026-06-01.

Allele frequency attached by ClinVar (database versions not stated): gnomAD exomes 0.00002; TOPMed 0.00003; gnomAD 0.00004; ExAC 0.00005; ESP Exome Variant Server 0.00008.
gnomAD v4.1: 41 of 1,563,276 alleles (0.0026%); highest among the groups gnomAD compares: Middle Eastern, 0.017%; no homozygotes.

Submissions (3):

CeGaT Center for Human Genetics Tuebingen
Classification: Likely benign. Last evaluated: 2026-06-01. Review status: criteria provided, single submitter. Criteria: CeGaT Center For Human Genetics Tuebingen Variant Classification Criteria Version 2. Collection method: clinical testing. Allele origin: germline. Affected: yes. Observed: 2 variant alleles.
Comment: NDUFS7: BP4, BP7

Labcorp Genetics (formerly Invitae), Labcorp
Classification: Likely benign. Last evaluated: 2025-12-27. Review status: criteria provided, single submitter. Criteria: Invitae Variant Classification Sherloc (09022015). Collection method: clinical testing. Allele origin: germline.

Blueprint Genetics
Classification: Likely benign. Last evaluated: 2024-08-20. Review status: criteria provided, single submitter. Criteria: ACMG Guidelines, 2015. Collection method: clinical testing. Allele origin: germline.